The following is an entry in ClinVar:

NM_001048174.2(MUTYH):c.999G>T (p.Lys333Asn)

Gene: MUTYH (mutY DNA glycosylase; minus strand). Cytogenetic location: 1p34.1.
Variant type: single nucleotide variant.
Coding change: c.999G>T on transcript NM_001048174.2 (MANE Select); coding-DNA position 999, G replaced by T.
Protein change: p.Lys333Asn; replaces lysine 333 with asparagine.
Molecular consequence: missense variant. On other transcripts: non-coding transcript variant (7).
Genome position (GRCh38, 1-based): chr1:45,331,764, C>A on the plus strand (G>T on the coding strand, the complement: MUTYH is on the minus strand). VCF-style: chr1-45331764-C-A. GRCh37 (hg19) VCF-style: chr1-45797436-C-A.
Other names: c.999G>T, p.Lys333Asn (NM_001048171.2, NM_001048173.2, NM_001407081.1 and 6 more transcripts); c.1002G>T, p.Lys334Asn (NM_001048172.2, NM_001407078.1, NM_001407086.1 and 1 more transcripts); c.1083G>T, p.Lys361Asn (NM_001128425.2); c.1044G>T, p.Lys348Asn (NM_001293190.2); c.1032G>T, p.Lys344Asn (NM_001293191.2, NM_001407077.1, NM_001407069.1); c.723G>T, p.Lys241Asn (NM_001293192.2, NM_001407091.1, NM_001293196.2); c.960G>T, p.Lys320Asn (NM_001407079.1); c.957G>T, p.Lys319Asn (NM_001407080.1); and 5 more; short protein forms K348N, K241N, K320N, K218N, K319N, K334N, K347N, K361N.
Identifiers: ClinVar variation 4112997 (VCV004112997.1).

ClinVar aggregate classification (germline): Uncertain significance (1 of 4 stars; one submission).

Conditions:
Hereditary cancer-predisposing syndrome. Also called: Tumor predisposition; Neoplastic Syndromes, Hereditary; Hereditary neoplastic syndrome; Hereditary Cancer Syndrome. Identifiers: Orphanet 140162, MedGen C0027672, MeSH D009386, MONDO:0015356.

Submission:

Ambry Genetics
Classification: Uncertain significance for Hereditary cancer-predisposing syndrome. Last evaluated: 2025-08-27. Review status: criteria provided, single submitter. Criteria: Ambry Variant Classification Scheme 2023. Collection method: clinical testing. Allele origin: germline.
Comment: The p.K361N variant (also known as c.1083G>T), located in coding exon 12 of the MUTYH gene, results from a G to T substitution at nucleotide position 1083. The lysine at codon 361 is replaced by asparagine, an amino acid with similar properties. This amino acid position is conserved. In addition, the in silico prediction for this alteration is inconclusive. Based on the available evidence, the clinical significance of this variant remains unclear.